The following is an entry in ClinVar:

NM_000337.6(SGCD):c.3+152C>T

Gene: SGCD (sarcoglycan delta; plus strand). Cytogenetic location: 5q33.3.
Variant type: single nucleotide variant.
Coding change: c.3+152C>T on transcript NM_000337.6 (MANE Select); 152 bases into the intron after coding-DNA position 3, C replaced by T.
Molecular consequence: intron variant.
Genome position (GRCh38, 1-based): chr5:156,329,731, C>T. VCF-style: chr5-156329731-C-T. GRCh37 (hg19) VCF-style: chr5-155756741-C-T.
Other names: c.-1+2499C>T (NM_001128209.2); c.3+152C>T (NM_172244.3).
Identifiers: ClinVar variation 673618 (VCV000673618.1), dbSNP rs149323169, ClinGen allele CA130592492.

ClinVar aggregate classification (germline): Likely benign (1 of 4 stars; one submission).

Allele frequency attached by ClinVar (database versions not stated): gnomAD 0.01287 and 0.01399; 1000 Genomes Project 0.01438; TOPMed 0.01452; 1000 Genomes Project 30x 0.01530.
gnomAD v4.1: 1,946 of 152,132 alleles (1.3%); highest among the groups gnomAD compares: African/African-American, 4.5%; 49 homozygotes.

Submission:

GeneDx
Classification: Likely benign. Last evaluated: 2018-06-14. Review status: criteria provided, single submitter. Criteria: GeneDx Variant Classification (06012015). Collection method: clinical testing. Allele origin: germline. Affected: yes.
Comment: This variant is considered likely benign or benign based on one or more of the following criteria: it is a conservative change, it occurs at a poorly conserved position in the protein, it is predicted to be benign by multiple in silico algorithms, and/or has population frequency not consistent with disease.